The following is an entry in ClinVar:

ClinVar aggregate classification (germline): Uncertain significance. Review status: criteria provided, multiple submitters, no conflicts (2 of 4 stars). 2 submissions from 2 submitters: Uncertain significance (2). Last evaluated 2025-07-02.

Conditions:
Tuberous sclerosis syndrome (TSC). Also called: Tuberous Sclerosis Complex; Tuberous sclerosis. Identifiers: Orphanet 805, MedGen C0041341, MONDO:0001734.
Tuberous sclerosis 2 (TSC2). Identifiers: Orphanet 805, MedGen C1860707, MONDO:0013199, OMIM 613254.

gnomAD v4.1: 1 of 1,427,888 alleles (0.00007%); highest among the groups gnomAD compares: East Asian, 0.0027%; no homozygotes.

Submissions (2):

Color Diagnostics, LLC DBA Color Health
Classification: Uncertain significance for Tuberous sclerosis syndrome. Last evaluated: 2025-07-02. Review status: criteria provided, single submitter. Criteria: ACMG Guidelines, 2015. Collection method: clinical testing. Allele origin: germline.
Comment: This variant causes a G>A nucleotide substitution at the +1 position of intron 1 of the TSC2 gene. Splice site prediction tools suggest that this variant may have a significant impact on RNA splicing, however the splicing consequence does not change the encoded amino acid sequence of the TSC2 protein. This variant has not been reported in individuals affected with TSC2-related disorders in the literature. This variant has not been identified in the general population by the Genome Aggregation Database (gnomAD). The available evidence is insufficient to determine the role of this variant in disease conclusively. Therefore, this variant is classified as a Variant of Uncertain Significance.

Labcorp Genetics (formerly Invitae), Labcorp
Classification: Uncertain significance for Tuberous sclerosis 2. Last evaluated: 2025-05-13. Review status: criteria provided, single submitter. Criteria: Invitae Variant Classification Sherloc (09022015). Collection method: clinical testing. Allele origin: germline.
Comment: This variant occurs in a non-coding region of the TSC2 gene. It does not change the encoded amino acid sequence of the TSC2 protein. It affects a nucleotide within the consensus splice site. This variant is not present in population databases (gnomAD no frequency). This variant has not been reported in the literature in individuals affected with TSC2-related conditions. ClinVar contains an entry for this variant (Variation ID: 3706705). Variants that disrupt the consensus splice site are a relatively common cause of aberrant splicing (PMID: 17576681, 9536098). Algorithms developed to predict the effect of sequence changes on RNA splicing suggest that this variant may disrupt the consensus splice site. In summary, the available evidence is currently insufficient to determine the role of this variant in disease. Therefore, it has been classified as a Variant of Uncertain Significance.

Literature cited by the submitters: PubMed 17576681 (cited by Labcorp Genetics (formerly Invitae), Labcorp); PubMed 9536098 (cited by Labcorp Genetics (formerly Invitae), Labcorp).

NM_000548.5(TSC2):c.-30+1G>A

Genes: TSC2 (TSC complex subunit 2; plus strand), LOC130058210 (ATAC-STARR-seq lymphoblastoid silent region 7024; plus strand). Cytogenetic location: 16p13.3.
Variant type: single nucleotide variant.
Coding change: c.-30+1G>A on transcript NM_000548.5 (MANE Select); the canonical splice donor site of the intron after 30 bases upstream of the start codon, G replaced by A.
Molecular consequence: splice donor variant.
Genome position (GRCh38, 1-based): chr16:2,048,066, G>A. VCF-style: chr16-2048066-G-A. GRCh37 (hg19) VCF-style: chr16-2098067-G-A.
Other names: c.-1461+1G>A (NM_001406691.1, NM_001406697.1, NM_001406689.1 and 2 more transcripts); c.-1637+1G>A (NM_001406698.1); c.-30+1G>A (NM_001114382.3, NM_001406663.1, NM_001406664.1 and 13 more transcripts); c.-846+1G>A (NM_001406683.1, NM_001406687.1, NM_001406680.1); c.-1342+1G>A (NM_001406694.1, NM_001406695.1); c.-1449+1G>A (NM_001406696.1); c.-475+1G>A (NM_001406681.1); c.-256+1G>A (NM_001406682.1, NM_001406684.1, NM_001406685.1 and 2 more transcripts); and 3 more.
Identifiers: ClinVar variation 3706705 (VCV003706705.3).
Genomic context (GRCh38, chr16:2,048,066, plus strand): 5'-CCAGGGGGGTGCGCCTTTCTCCGCGTCGGGGCGGCCCGGAGCGCGGTGGCGCGGCGCGGG[G>A]TAAGTGGCGGTCCCCACGGGGCAAGTGGCGGTCCCCACGGGGCAGCGGCCTAGAGAGGCG-3'